The following is an entry in ClinVar:

NM_020822.3(KCNT1):c.1697T>C (p.Met566Thr)

Gene: KCNT1 (potassium sodium-activated channel subfamily T member 1; plus strand). Cytogenetic location: 9q34.3.
Variant type: single nucleotide variant.
Coding change: c.1697T>C on transcript NM_020822.3 (MANE Select); coding-DNA position 1697, T replaced by C.
Protein change: p.Met566Thr; replaces methionine 566 with threonine.
Molecular consequence: missense variant.
Genome position (GRCh38, 1-based): chr9:135,770,375, T>C. VCF-style: chr9-135770375-T-C. GRCh37 (hg19) VCF-style: chr9-138662221-T-C.
Other names: c.1562T>C, p.Met521Thr (NM_001272003.2); short protein forms M521T, M566T.
Identifiers: ClinVar variation 1005988 (VCV001005988.9), dbSNP rs1832669667, ClinGen allele CA375506558.
Genomic context (GRCh38, chr9:135,770,375, plus strand): 5'-CGGAGCAGTGGCAGCGCATGTATGGGCGCTGCTCCGGCAACGAGGTGTACCACATCCGCA[T>C]GGGTGACAGCAAGTTCTTCCGCGAGTACGAGGGCAAGAGCTTCACCTACGCGGCCTTCCA-3'
Protein context (NP_065873.2, residues 556-576): CSGNEVYHIR[Met566Thr]GDSKFFREYE

ClinVar aggregate classification (germline): Uncertain significance (1 of 4 stars; one submission).

Conditions:
Autosomal dominant nocturnal frontal lobe epilepsy 5. Also called: KCNT1-Related Epilepsy; CILIARY DYSKINESIA, PRIMARY, 28, WITHOUT SITUS INVERSUS; CILIARY DYSKINESIA, PRIMARY, 28, WITH SITUS INVERSUS; Epilepsy, nocturnal frontal lobe, 5. Identifiers: Orphanet 98784, MedGen C3554306, MONDO:0014002, OMIM 615005.
Developmental and epileptic encephalopathy, 14 (DEE14). Also called: Early infantile epileptic encephalopathy 14. Identifiers: Orphanet 293181, MedGen C3554195, MONDO:0013989, OMIM 614959.

Submission:

Labcorp Genetics (formerly Invitae), Labcorp
Classification: Uncertain significance for Autosomal dominant nocturnal frontal lobe epilepsy 5; Developmental and epileptic encephalopathy, 14. Last evaluated: 2026-01-05. Review status: criteria provided, single submitter. Criteria: Invitae Variant Classification Sherloc (09022015). Collection method: clinical testing. Allele origin: germline.
Comment: This sequence change replaces methionine, which is neutral and non-polar, with threonine, which is neutral and polar, at codon 566 of the KCNT1 protein (p.Met566Thr). This variant is not present in population databases (gnomAD no frequency). This variant has not been reported in the literature in individuals affected with KCNT1-related conditions. ClinVar contains an entry for this variant (Variation ID: 1005988). Invitae Evidence Modeling of protein sequence and biophysical properties (such as structural, functional, and spatial information, amino acid conservation, physicochemical variation, residue mobility, and thermodynamic stability) indicates that this missense variant is not expected to disrupt KCNT1 protein function with a negative predictive value of 80%. In summary, the available evidence is currently insufficient to determine the role of this variant in disease. Therefore, it has been classified as a Variant of Uncertain Significance.